The following is an entry in ClinVar:

ClinVar aggregate classification (germline): Pathogenic (1 of 4 stars; one submission).

Submission:

Labcorp Genetics (formerly Invitae), Labcorp
Classification: Pathogenic. Last evaluated: 2022-08-15. Review status: criteria provided, single submitter. Criteria: Invitae Variant Classification Sherloc (09022015). Collection method: clinical testing. Allele origin: germline.
Comment: For these reasons, this variant has been classified as Pathogenic. Algorithms developed to predict the effect of sequence changes on RNA splicing suggest that this variant may create or strengthen a splice site. ClinVar contains an entry for this variant (Variation ID: 1391421). This variant has not been reported in the literature in individuals affected with ABCC6-related conditions. This variant is not present in population databases (gnomAD no frequency). This sequence change creates a premature translational stop signal (p.Gln803Argfs*8) in the ABCC6 gene. It is expected to result in an absent or disrupted protein product. Loss-of-function variants in ABCC6 are known to be pathogenic (PMID: 11536079, 17617515).

Literature cited by the submitters: PubMed 11536079; PubMed 17617515.

NM_001171.6(ABCC6):c.2407del (p.Gln803fs)

Gene: ABCC6 (ATP binding cassette subfamily C member 6; minus strand). Cytogenetic location: 16p13.11.
Variant type: Deletion.
Coding change: c.2407del on transcript NM_001171.6 (MANE Select); coding-DNA position 2407, one base deleted (C; older notation c.2407delC).
Protein change: p.Gln803fs; shifts the reading frame from glutamine 803.
Molecular consequence: frameshift variant. On other transcripts: non-coding transcript variant (1).
Genome position (GRCh38, 1-based): chr16:16,178,806, G deleted on the plus strand (C on the coding strand, the reverse complement: ABCC6 is on the minus strand); the first of 2 consecutive G bases (chr16:16,178,806-16,178,807); deleting either gives the same sequence. VCF-style (leftmost placement, unchanged base first): chr16-16178805-TG-T. GRCh37 (hg19) VCF-style: chr16-16272662-TG-T.
Other names: c.2065del, p.Gln689fs (NM_001351800.1); short protein forms Q689fs, Q803fs.
Identifiers: ClinVar variation 1391421 (VCV001391421.6), dbSNP rs2152252393, ClinGen allele CA2573151906.